The following is an entry in ClinVar:

ClinVar aggregate classification (germline): Uncertain significance. Review status: criteria provided, multiple submitters, no conflicts (2 of 4 stars). 2 submissions from 2 submitters: Uncertain significance (2). Last evaluated 2024-01-19.

Conditions:
Inborn genetic diseases. Identifiers: MedGen C0950123, MeSH D030342.

Allele frequency attached by ClinVar (database versions not stated): gnomAD 0.00002; ExAC 0.00005; ESP Exome Variant Server 0.00008.
gnomAD v4.1: 35 of 1,613,320 alleles (0.0022%); highest among the groups gnomAD compares: Admixed American, 0.022%; no homozygotes.

Submissions (2):

Ambry Genetics
Classification: Uncertain significance for Inborn genetic diseases. Last evaluated: 2024-01-19. Review status: criteria provided, single submitter. Criteria: Ambry Variant Classification Scheme 2023. Collection method: clinical testing. Allele origin: germline.

Labcorp Genetics (formerly Invitae), Labcorp
Classification: Uncertain significance. Last evaluated: 2022-10-13. Review status: criteria provided, single submitter. Criteria: Invitae Variant Classification Sherloc (09022015). Collection method: clinical testing. Allele origin: germline.
Comment: This sequence change replaces arginine, which is basic and polar, with tryptophan, which is neutral and slightly polar, at codon 1971 of the DOCK6 protein (p.Arg1971Trp). This variant is present in population databases (rs376594140, gnomAD 0.02%). This variant has not been reported in the literature in individuals affected with DOCK6-related conditions. Advanced modeling of protein sequence and biophysical properties (such as structural, functional, and spatial information, amino acid conservation, physicochemical variation, residue mobility, and thermodynamic stability) performed at Invitae indicates that this missense variant is expected to disrupt DOCK6 protein function. In summary, the available evidence is currently insufficient to determine the role of this variant in disease. Therefore, it has been classified as a Variant of Uncertain Significance.

NM_020812.4(DOCK6):c.5911C>T (p.Arg1971Trp)

Gene: DOCK6 (dedicator of cytokinesis 6; minus strand). Cytogenetic location: 19p13.2.
Variant type: single nucleotide variant.
Coding change: c.5911C>T on transcript NM_020812.4 (MANE Select); coding-DNA position 5911, C replaced by T.
Protein change: p.Arg1971Trp; replaces arginine 1971 with tryptophan.
Molecular consequence: missense variant.
Genome position (GRCh38, 1-based): chr19:11,200,744, G>A on the plus strand (C>T on the coding strand, the complement: DOCK6 is on the minus strand). VCF-style: chr19-11200744-G-A. GRCh37 (hg19) VCF-style: chr19-11311420-G-A.
Other names: c.6016C>T, p.Arg2006Trp (NM_001367830.1); c.5911C>T (NM_020812.2); short protein forms R1971W, R2006W.
Identifiers: ClinVar variation 2068104 (VCV002068104.2), dbSNP rs376594140, ClinGen allele CA9206301.